The following is an entry in ClinVar:

NM_000372.5(TYR):c.1037-2A>G

Gene: TYR (tyrosinase; plus strand). Cytogenetic location: 11q14.3.
Variant type: single nucleotide variant.
Coding change: c.1037-2A>G on transcript NM_000372.5 (MANE Select); the canonical splice acceptor site of the intron before coding-DNA position 1037, A replaced by G.
Molecular consequence: splice acceptor variant.
Genome position (GRCh38, 1-based): chr11:89,227,821, A>G. VCF-style: chr11-89227821-A-G. GRCh37 (hg19) VCF-style: chr11-88960989-A-G.
Identifiers: ClinVar variation 596867 (VCV000596867.15), dbSNP rs748901196, ClinGen allele CA6221331.

ClinVar aggregate classification (germline): Pathogenic/Likely pathogenic. Review status: criteria provided, multiple submitters, no conflicts (2 of 4 stars). 6 submissions from 6 submitters: Pathogenic (3); Likely pathogenic (3). Last evaluated 2025-05-19.

Conditions:
TYR-related disorder. Also called: TYR-related condition.
Oculocutaneous albinism type 1A (OCA1A). Also called: Albinism, oculocutaneous, type IA. Identifiers: Orphanet 352731, Orphanet 79431, MedGen C4551504, MONDO:0008745, OMIM 203100. Disease mechanism: loss of function.
Oculocutaneous albinism type 1B (OCA1B). Also called: YELLOW ALBINISM; ALBINISM, YELLOW MUTANT TYPE; ALBINISM, OCULOCUTANEOUS, TYPE IB. Identifiers: Orphanet 352731, Orphanet 352737, Orphanet 79434, MedGen C1847024, MONDO:0011749, OMIM 606952.
SKIN/HAIR/EYE PIGMENTATION 3, LIGHT/DARK SKIN (SHEP3). Also called: SKIN/HAIR/EYE PIGMENTATION, VARIATION IN, 3; EYE COLOR 1; EYE COLOR, GREEN/BLUE; SKIN/HAIR/EYE PIGMENTATION 3, BLUE/GREEN EYE COLOR; SKIN/HAIR/EYE PIGMENTATION 3, FRECKLING. Identifiers: MedGen C2677190, OMIM 601800.
Oculocutaneous albinism. Identifiers: Orphanet 55, MedGen C0078918, MONDO:0018910.

Allele frequency attached by ClinVar (database versions not stated): ExAC 0.00001; gnomAD exomes 0.00001; TOPMed 0.00001; gnomAD 0.00002.
gnomAD v4.1: 10 of 1,612,138 alleles (0.00062%); highest among the groups gnomAD compares: African/African-American, 0.0013%; no homozygotes.

Submissions (6):

Labcorp Genetics (formerly Invitae), Labcorp
Classification: Pathogenic. Last evaluated: 2025-05-19. Review status: criteria provided, single submitter. Criteria: Invitae Variant Classification Sherloc (09022015). Collection method: clinical testing. Allele origin: germline.
Comment: This sequence change affects an acceptor splice site in intron 2 of the TYR gene. It is expected to disrupt RNA splicing. Variants that disrupt the donor or acceptor splice site typically lead to a loss of protein function (PMID: 16199547), and loss-of-function variants in TYR are known to be pathogenic (PMID: 23504663). This variant is present in population databases (rs748901196, gnomAD 0.002%). Disruption of this splice site has been observed in individuals with oculocutaneous albinism (PMID: 27734839, 31077556). ClinVar contains an entry for this variant (Variation ID: 596867). Algorithms developed to predict the effect of sequence changes on RNA splicing suggest that this variant may disrupt the consensus splice site. For these reasons, this variant has been classified as Pathogenic.

Women's Health and Genetics/Laboratory Corporation of America, LabCorp
Classification: Likely pathogenic for Oculocutaneous albinism. Last evaluated: 2025-03-14. Review status: criteria provided, single submitter. Criteria: LabCorp Variant Classification Summary - May 2015. Collection method: clinical testing. Allele origin: germline.
Comment: Variant summary: TYR c.1037-2A>G is located in a canonical splice-site and is predicted to affect mRNA splicing resulting in a significantly altered protein due to either exon skipping, shortening, or inclusion of intronic material. Variants that disrupt the consensus splice site are a relatively common cause of aberrant splicing and loss of TYR function. Several computational tools predict a significant impact on normal splicing: Three predict the variant abolishes a canonical 3' acceptor site. However, these predictions have yet to be confirmed by functional studies. The variant allele was found at a frequency of 8e-06 in 250000 control chromosomes (gnomAD). c.1037-2A>G has been reported in the literature in individuals affected with Oculocutaneous Albinism (e.g. Lasseaux_2018, Wei_2022). These data indicate that the variant may be associated with disease. To our knowledge, no experimental evidence demonstrating an impact on protein function has been reported. The following publications have been ascertained in the context of this evaluation (PMID: 29345414, 34838614). ClinVar contains an entry for this variant (Variation ID: 596867). Based on the evidence outlined above, the variant was classified as likely pathogenic.

Blueprint Genetics
Classification: Likely pathogenic for TYR-related disorders. Last evaluated: 2024-07-30. Review status: criteria provided, single submitter. Criteria: ACMG Guidelines, 2015. Collection method: clinical testing. Allele origin: germline. Affected: yes. Observed: 4 variant alleles.

Fulgent Genetics
Classification: Likely pathogenic for Oculocutaneous albinism type 1A; SKIN/HAIR/EYE PIGMENTATION 3, LIGHT/DARK SKIN; Oculocutaneous albinism type 1B. Last evaluated: 2024-06-12. Review status: criteria provided, single submitter. Criteria: ACMG Guidelines, 2015. Collection method: clinical testing. Allele origin: germline.

Genome-Nilou Lab
Classification: Pathogenic for Oculocutaneous albinism type 1A. Last evaluated: 2021-07-22. Review status: criteria provided, single submitter. Criteria: ACMG Guidelines, 2015. Collection method: clinical testing. Allele origin: germline. Affected: no.

Eurofins Ntd Llc (ga)
Classification: Pathogenic. Last evaluated: 2018-04-30. Review status: criteria provided, single submitter. Criteria: EGL ClinVar v180209 classification definitions. Collection method: clinical testing. Allele origin: germline. Observed: 2 variant alleles, 2 heterozygotes.

Literature cited by the submitters: PubMed 16199547 (cited by Labcorp Genetics (formerly Invitae), Labcorp); PubMed 23504663 (cited by Labcorp Genetics (formerly Invitae), Labcorp); PubMed 27734839 (cited by Labcorp Genetics (formerly Invitae), Labcorp); PubMed 31077556 (cited by Labcorp Genetics (formerly Invitae), Labcorp); PubMed 29345414 (cited by Women's Health and Genetics/Laboratory Corporation of America, LabCorp); PubMed 34838614 (cited by Women's Health and Genetics/Laboratory Corporation of America, LabCorp).